The following is an entry in ClinVar:

NM_002739.5(PRKCG):c.292C>T (p.Arg98Trp)

Gene: PRKCG (protein kinase C gamma; plus strand). Cytogenetic location: 19q13.42.
Variant type: single nucleotide variant.
Coding change: c.292C>T on transcript NM_002739.5 (MANE Select); coding-DNA position 292, C replaced by T.
Protein change: p.Arg98Trp; replaces arginine 98 with tryptophan.
Molecular consequence: missense variant.
Genome position (GRCh38, 1-based): chr19:53,889,644, C>T. VCF-style: chr19-53889644-C-T. GRCh37 (hg19) VCF-style: chr19-54392898-C-T.
Other names: c.292C>T, p.Arg98Trp (NM_001316329.2); short protein forms R98W.
Identifiers: ClinVar variation 5042055 (VCV005042055.1).

ClinVar aggregate classification (germline): Uncertain significance (1 of 4 stars; one submission).

Conditions:
Spinocerebellar ataxia type 14 (SCA14). Identifiers: Orphanet 98763, MedGen C1854369, MONDO:0011540, OMIM 605361.

gnomAD v4.1: 2 of 1,614,014 alleles (0.00012%); highest among the groups gnomAD compares: Non-Finnish European, 0.00017%; no homozygotes.

Submission:

Clinical Genetics Laboratory, University Hospital Schleswig-Holstein
Classification: Uncertain significance for Spinocerebellar ataxia type 14. Last evaluated: 2025-06-24. Review status: criteria provided, single submitter. Criteria: ACMG Guidelines, 2015. Collection method: clinical testing. Allele origin: germline. Affected: yes. Observed: 1 heterozygote.
Comment: ACMG criteria applied: PM2, PP3, PM1